The following is an entry in ClinVar:

NM_001278116.2(L1CAM):c.1234C>G (p.Leu412Val)

Gene: L1CAM (L1 cell adhesion molecule; minus strand). Cytogenetic location: Xq28.
Variant type: single nucleotide variant.
Coding change: c.1234C>G on transcript NM_001278116.2 (MANE Select); coding-DNA position 1234, C replaced by G.
Protein change: p.Leu412Val; replaces leucine 412 with valine.
Molecular consequence: missense variant.
Genome position (GRCh38, 1-based): chrX:153,869,553, G>C on the plus strand (C>G on the coding strand, the complement: L1CAM is on the minus strand). VCF-style: chrX-153869553-G-C. GRCh37 (hg19) VCF-style: chrX-153135008-G-C.
Other names: c.1234C>G, p.Leu412Val (NM_000425.5, NM_024003.3); c.1219C>G, p.Leu407Val (NM_001143963.2); short protein forms L412V, L407V.
Identifiers: ClinVar variation 2354339 (VCV002354339.30), dbSNP rs782810182, ClinGen allele CA10554407.

ClinVar aggregate classification (germline): Conflicting classifications of pathogenicity. Review status: criteria provided, conflicting classifications (1 of 4 stars). 3 submissions from 3 submitters: Uncertain significance (1); Likely benign (2). Last evaluated 2026-01-25.

Conditions:
Spastic paraplegia. Identifiers: MedGen C0037772, HP:0001258.
Inborn genetic diseases. Identifiers: MedGen C0950123, MeSH D030342.

Allele frequency attached by ClinVar (database versions not stated): gnomAD exomes below 0.00001; ExAC 0.00001.
gnomAD v4.1: 10 of 1,211,204 alleles (0.00083%); highest among the groups gnomAD compares: East Asian, 0.003%; no homozygotes.

Submissions (3):

Labcorp Genetics (formerly Invitae), Labcorp
Classification: Likely benign for Spastic paraplegia. Last evaluated: 2026-01-25. Review status: criteria provided, single submitter. Criteria: Invitae Variant Classification Sherloc (09022015). Collection method: clinical testing. Allele origin: germline.

Ambry Genetics
Classification: Likely benign for Inborn genetic diseases. Last evaluated: 2024-10-01. Review status: criteria provided, single submitter. Criteria: Ambry Variant Classification Scheme 2023. Collection method: clinical testing. Allele origin: germline.

CeGaT Center for Human Genetics Tuebingen
Classification: Uncertain significance. Last evaluated: 2023-02-01. Review status: criteria provided, single submitter. Criteria: CeGaT Center For Human Genetics Tuebingen Variant Classification Criteria Version 2. Collection method: clinical testing. Allele origin: germline. Affected: yes. Observed: 1 variant allele.
Comment: L1CAM: PM2, BP4